The following is an entry in ClinVar:

NM_007186.6(CEP250):c.118C>A (p.Arg40=)

Gene: CEP250 (centrosomal protein 250; plus strand). Cytogenetic location: 20q11.22.
Variant type: single nucleotide variant.
Coding change: c.118C>A on transcript NM_007186.6 (MANE Select); coding-DNA position 118, C replaced by A.
Protein change: p.Arg40=; no amino-acid change (arginine 40 retained).
Molecular consequence: synonymous variant. On other transcripts: 5 prime UTR variant (1).
Genome position (GRCh38, 1-based): chr20:35,462,485, C>A. VCF-style: chr20-35462485-C-A. GRCh37 (hg19) VCF-style: chr20-34050310-C-A.
Other names: c.-1782C>A (NM_001318219.1).
Identifiers: ClinVar variation 4873588 (VCV004873588.2).

ClinVar aggregate classification (germline): Likely benign (1 of 4 stars; one submission).

gnomAD v4.1: 3 of 1,609,024 alleles (0.00019%); highest among the groups gnomAD compares: South Asian, 0.0011%; no homozygotes.

Submission:

CeGaT Center for Human Genetics Tuebingen
Classification: Likely benign. Last evaluated: 2026-04-01. Review status: criteria provided, single submitter. Criteria: CeGaT Center For Human Genetics Tuebingen Variant Classification Criteria Version 2. Collection method: clinical testing. Allele origin: germline. Affected: yes. Observed: 1 variant allele.
Comment: CEP250: BP4, BP7